The following is an entry in ClinVar:

ClinVar aggregate classification (germline): Uncertain significance (1 of 4 stars; one submission).

Conditions:
Congenital disorder of deglycosylation (CDDG). Identifiers: MedGen C3808991, MONDO:0031376.

Submission:

Labcorp Genetics (formerly Invitae), Labcorp
Classification: Uncertain significance for Congenital disorder of deglycosylation. Last evaluated: 2022-08-15. Review status: criteria provided, single submitter. Criteria: Invitae Variant Classification Sherloc (09022015). Collection method: clinical testing. Allele origin: germline.
Comment: Algorithms developed to predict the effect of missense changes on protein structure and function are either unavailable or do not agree on the potential impact of this missense change (SIFT: "Deleterious"; PolyPhen-2: "Probably Damaging"; Align-GVGD: "Class C0"). ClinVar contains an entry for this variant (Variation ID: 1485954). This variant has not been reported in the literature in individuals affected with NGLY1-related conditions. This variant is not present in population databases (gnomAD no frequency). This sequence change replaces tyrosine, which is neutral and polar, with histidine, which is basic and polar, at codon 539 of the NGLY1 protein (p.Tyr539His). In summary, the available evidence is currently insufficient to determine the role of this variant in disease. Therefore, it has been classified as a Variant of Uncertain Significance.

NM_018297.4(NGLY1):c.1615T>C (p.Tyr539His)

Gene: NGLY1 (N-glycanase 1; minus strand). Cytogenetic location: 3p24.2.
Variant type: single nucleotide variant.
Coding change: c.1615T>C on transcript NM_018297.4 (MANE Select); coding-DNA position 1615, T replaced by C.
Protein change: p.Tyr539His; replaces tyrosine 539 with histidine.
Molecular consequence: missense variant. On other transcripts: intron variant (1).
Genome position (GRCh38, 1-based): chr3:25,720,188, A>G on the plus strand (T>C on the coding strand, the complement: NGLY1 is on the minus strand). VCF-style: chr3-25720188-A-G. GRCh37 (hg19) VCF-style: chr3-25761679-A-G.
Other names: c.1561T>C, p.Tyr521His (NM_001145293.2); c.1489T>C, p.Tyr497His (NM_001145294.2); c.1612-553T>C (NM_001145295.2); short protein forms Y521H, Y539H, Y497H.
Identifiers: ClinVar variation 1485954 (VCV001485954.8), dbSNP rs2125443176, ClinGen allele CA351894503.